The following is an entry in ClinVar:

NM_014141.6(CNTNAP2):c.3417A>G (p.Pro1139=)

Gene: CNTNAP2 (contactin associated protein 2; plus strand). Cytogenetic location: 7q36.1.
Variant type: single nucleotide variant.
Coding change: c.3417A>G on transcript NM_014141.6 (MANE Select); coding-DNA position 3417, A replaced by G.
Protein change: p.Pro1139=; no amino-acid change (proline 1139 retained).
Molecular consequence: synonymous variant.
Genome position (GRCh38, 1-based): chr7:148,267,068, A>G. VCF-style: chr7-148267068-A-G. GRCh37 (hg19) VCF-style: chr7-147964160-A-G.
Identifiers: ClinVar variation 536340 (VCV000536340.13), dbSNP rs368474520, ClinGen allele CA4546649.
Genomic context (GRCh38, chr7:148,267,068, plus strand): 5'-AGTGTCTCTTGTTTTCCTCCTGCAGCTCGATCATTATCCTTCTGTGAGTTACCATCTGCC[A>G]AGTTCATCCGACACCCTCTTCAATTCTCCCAAGTCGCTCTTTCTGGGAAAAGTTATAGGT-3'
Protein context (NP_054860.1, residues 1129-1149): DHYPSVSYHL[Pro1139=]SSSDTLFNSP

ClinVar aggregate classification (germline): Likely benign. Review status: criteria provided, multiple submitters, no conflicts (2 of 4 stars). 3 submissions from 3 submitters: Likely benign (3). Last evaluated 2026-06-01.

Conditions:
Cortical dysplasia-focal epilepsy syndrome (PTHSL1). Also called: Pitt-Hopkins-like syndrome 1. Identifiers: Orphanet 163681, Orphanet 221150, MedGen C2750246, MONDO:0012400, OMIM 610042.

Allele frequency attached by ClinVar (database versions not stated): ExAC 0.00003; TOPMed 0.00004; gnomAD 0.00005; ESP Exome Variant Server 0.00008.
gnomAD v4.1: 96 of 1,614,060 alleles (0.0059%); highest among the groups gnomAD compares: Admixed American, 0.018%; no homozygotes.

Submissions (3):

CeGaT Center for Human Genetics Tuebingen
Classification: Likely benign. Last evaluated: 2026-06-01. Review status: criteria provided, single submitter. Criteria: CeGaT Center For Human Genetics Tuebingen Variant Classification Criteria Version 2. Collection method: clinical testing. Allele origin: germline. Affected: yes. Observed: 1 variant allele.
Comment: CNTNAP2: BP4, BP7

Labcorp Genetics (formerly Invitae), Labcorp
Classification: Likely benign for Cortical dysplasia-focal epilepsy syndrome. Last evaluated: 2024-10-24. Review status: criteria provided, single submitter. Criteria: Invitae Variant Classification Sherloc (09022015). Collection method: clinical testing. Allele origin: germline.

Blueprint Genetics
Classification: Likely benign. Last evaluated: 2023-12-21. Review status: criteria provided, single submitter. Criteria: ACMG Guidelines, 2015. Collection method: clinical testing. Allele origin: germline.